The following is an entry in ClinVar:

ClinVar aggregate classification (germline): Pathogenic (1 of 4 stars; one submission).

Conditions:
Autosomal recessive limb-girdle muscular dystrophy type 2E (LGMDR4). Also called: MUSCULAR DYSTROPHY, LIMB-GIRDLE, AUTOSOMAL RECESSIVE 4. Identifiers: Orphanet 119, MedGen C1858593, MONDO:0011423, OMIM 604286. Disease mechanism: Affects gamma-sarcoglycan and also disrupts the integrity of the entire sarcoglycan complex..

Submission:

Myriad Genetics, Inc.
Classification: Pathogenic for Autosomal recessive limb-girdle muscular dystrophy type 2E. Last evaluated: 2023-09-10. Review status: criteria provided, single submitter. Criteria: Myriad Autosomal Dominant, Autosomal Recessive and X-Linked Classification Criteria (2023). Collection method: clinical testing. Allele origin: unknown.
Comment: NM_000232.4(SGCB):c.432delT(I144Mfs*12) is expected to be pathogenic in the context of beta-sarcoglycanopathy. This variant is predicted to lead to an abnormal or absent protein product due to the creation of a premature termination codon in SGCB, a gene where loss-of-function variants are known to be pathogenic. Please note: this variant was assessed in the context of healthy population screening.

NM_000232.5(SGCB):c.432del (p.Ile144fs)

Gene: SGCB (sarcoglycan beta; minus strand). Cytogenetic location: 4q12.
Variant type: Deletion.
Coding change: c.432del on transcript NM_000232.5 (MANE Select); coding-DNA position 432, one base deleted (T; older notation c.432delT).
Protein change: p.Ile144fs; shifts the reading frame from isoleucine 144.
Molecular consequence: frameshift variant.
Genome position (GRCh38, 1-based): chr4:52,028,919, A deleted on the plus strand (T on the coding strand, the reverse complement: SGCB is on the minus strand); the first of 2 consecutive A bases (chr4:52,028,919-52,028,920); deleting either gives the same sequence. VCF-style (leftmost placement, unchanged base first): chr4-52028918-CA-C. GRCh37 (hg19) VCF-style: chr4-52895084-CA-C.
Other names: c.222del, p.Ile74fs (NM_001440519.1); c.135del, p.Ile45fs (NM_001440520.1); short protein forms I144fs, I45fs, I74fs.
Identifiers: ClinVar variation 5011637 (VCV005011637.1).